The following is an entry in ClinVar:

ClinVar aggregate classification (germline): Uncertain significance (1 of 4 stars; one submission).

Conditions:
Hereditary cancer-predisposing syndrome. Also called: Neoplastic Syndromes, Hereditary; Tumor predisposition; Hereditary neoplastic syndrome; Hereditary Cancer Syndrome. Identifiers: Orphanet 140162, MedGen C0027672, MeSH D009386, MONDO:0015356.

Submission:

Ambry Genetics
Classification: Uncertain significance for Hereditary cancer-predisposing syndrome. Last evaluated: 2024-01-09. Review status: criteria provided, single submitter. Criteria: Ambry Variant Classification Scheme 2023. Collection method: clinical testing. Allele origin: germline.
Comment: The p.L838Q variant (also known as c.2513T>A), located in coding exon 14 of the RET gene, results from a T to A substitution at nucleotide position 2513. The leucine at codon 838 is replaced by glutamine, an amino acid with dissimilar properties. This amino acid position is conserved. In addition, this alteration is predicted to be deleterious by in silico analysis. Since supporting evidence is limited at this time, the clinical significance of this alteration remains unclear.

NM_020975.6(RET):c.2513T>A (p.Leu838Gln)

Gene: RET (ret proto-oncogene; plus strand). Cytogenetic location: 10q11.21.
Variant type: single nucleotide variant.
Coding change: c.2513T>A on transcript NM_020975.6 (MANE Select); coding-DNA position 2513, T replaced by A.
Protein change: p.Leu838Gln; replaces leucine 838 with glutamine.
Molecular consequence: missense variant.
Genome position (GRCh38, 1-based): chr10:43,119,651, T>A. VCF-style: chr10-43119651-T-A. GRCh37 (hg19) VCF-style: chr10-43615099-T-A.
Other names: c.2513T>A, p.Leu838Gln (NM_000323.2, NM_001406743.1, NM_001406744.1 and 4 more transcripts); c.1751T>A, p.Leu584Gln (NM_001355216.2); c.2384T>A, p.Leu795Gln (NM_001406761.1, NM_001406762.1, NM_001406764.1); c.2378T>A, p.Leu793Gln (NM_001406763.1, NM_001406765.1); c.2225T>A, p.Leu742Gln (NM_001406766.1, NM_001406767.1, NM_001406770.1); c.2249T>A, p.Leu750Gln (NM_001406768.1); c.2117T>A, p.Leu706Gln (NM_001406769.1, NM_001406772.1); c.2075T>A, p.Leu692Gln (NM_001406771.1, NM_001406773.1); and 10 more; short protein forms L355Q, L403Q, L443Q, L494Q, L496Q, L499Q, L508Q, L539Q.
Identifiers: ClinVar variation 3227532 (VCV003227532.1), dbSNP rs1838160682, ClinGen allele CA376556421.